The following is an entry in ClinVar:

ClinVar aggregate classification (germline): Uncertain significance (1 of 4 stars; one submission).

Conditions:
Catecholaminergic polymorphic ventricular tachycardia (CVPT). Also called: Catecholamine-induced polymorphic ventricular tachycardia. Identifiers: Orphanet 3286, MedGen C5574922, MONDO:0017990.

gnomAD v4.1: 5 of 1,589,886 alleles (0.00031%); highest among the groups gnomAD compares: Non-Finnish European, 0.00043%; no homozygotes.

Submission:

All of Us Research Program, National Institutes of Health
Classification: Uncertain significance for Catecholaminergic polymorphic ventricular tachycardia. Last evaluated: 2024-05-30. Review status: criteria provided, single submitter. Criteria: ACMG Guidelines, 2015. Collection method: clinical testing. Allele origin: germline. Inheritance: Autosomal dominant inheritance. Observed: 1 variant allele, 1 heterozygote.
Comment: This missense variant replaces leucine with serine at codon 49 of the RYR2 protein. Computational prediction suggests that this variant may have deleterious impact on protein structure and function (internally defined REVEL score threshold >= 0.7, PMID: 27666373). To our knowledge, functional studies have not been reported for this variant. This variant has not been reported in individuals affected with RYR2-related disorders in the literature. This variant has not been identified in the general population by the Genome Aggregation Database (gnomAD). The available evidence is insufficient to determine the role of this variant in disease conclusively. Therefore, this variant is classified as a Variant of Uncertain Significance.

This study involves interpretation of variants in research participants for the purpose of population health screening. Participant phenotype was not available at the time of variant classification. Additional details can be found in publication PMID: 35346344, PMCID: PMC8962531

NM_001035.3(RYR2):c.146T>C (p.Leu49Ser)

Gene: RYR2 (ryanodine receptor 2; plus strand). Cytogenetic location: 1q43.
Variant type: single nucleotide variant.
Coding change: c.146T>C on transcript NM_001035.3 (MANE Select); coding-DNA position 146, T replaced by C.
Protein change: p.Leu49Ser; replaces leucine 49 with serine.
Molecular consequence: missense variant.
Genome position (GRCh38, 1-based): chr1:237,270,594, T>C. VCF-style: chr1-237270594-T-C. GRCh37 (hg19) VCF-style: chr1-237433894-T-C.
Other names: short protein forms L49S.
Identifiers: ClinVar variation 3385645 (VCV003385645.1).